The following is an entry in ClinVar:

ClinVar aggregate classification (germline): Uncertain significance (1 of 4 stars; one submission).

Submission:

GeneDx
Classification: Uncertain significance. Last evaluated: 2024-03-25. Review status: criteria provided, single submitter. Criteria: GeneDx Variant Classification Process June 2021. Collection method: clinical testing. Allele origin: germline. Affected: yes.
Comment: Not observed at significant frequency in large population cohorts (gnomAD); In silico analysis supports that this missense variant has a deleterious effect on protein structure/function; Has not been previously published as pathogenic or benign to our knowledge

NM_001256012.3(MYH10):c.4649C>T (p.Ser1550Phe)

Gene: MYH10 (myosin heavy chain 10; minus strand). Cytogenetic location: 17p13.1.
Variant type: single nucleotide variant.
Coding change: c.4649C>T on transcript NM_001256012.3 (MANE Select); coding-DNA position 4649, C replaced by T.
Protein change: p.Ser1550Phe; replaces serine 1550 with phenylalanine.
Molecular consequence: missense variant.
Genome position (GRCh38, 1-based): chr17:8,492,319, G>A on the plus strand (C>T on the coding strand, the complement: MYH10 is on the minus strand). VCF-style: chr17-8492319-G-A. GRCh37 (hg19) VCF-style: chr17-8395637-G-A.
Other names: c.4583C>T, p.Ser1528Phe (NM_001256095.2); c.4586C>T, p.Ser1529Phe (NM_001375266.1); c.4556C>T, p.Ser1519Phe (NM_005964.5); short protein forms S1519F, S1528F, S1529F, S1550F.
Identifiers: ClinVar variation 3371125 (VCV003371125.1).